The following is an entry in ClinVar:

ClinVar aggregate classification (germline): Uncertain significance (1 of 4 stars; one submission).

Conditions:
Pityriasis rubra pilaris (PRP). Also called: Pityriasis rubra pilaris--familial type. Identifiers: Orphanet 2897, MedGen C0032027, MONDO:0100017, OMIM 173200, MONDO:0008251.
Psoriasis 2. Identifiers: MedGen C1864497, MONDO:0011269, OMIM 602723.

Allele frequency attached by ClinVar (database versions not stated): TOPMed below 0.00001; gnomAD 0.00001.
gnomAD v4.1: 1 of 1,567,844 alleles (0.000064%); highest among the groups gnomAD compares: Admixed American, 0.0019%; no homozygotes.

Submission:

Labcorp Genetics (formerly Invitae), Labcorp
Classification: Uncertain significance for Pityriasis rubra pilaris; Psoriasis 2. Last evaluated: 2020-08-19. Review status: criteria provided, single submitter. Criteria: Invitae Variant Classification Sherloc (09022015). Collection method: clinical testing. Allele origin: germline.
Comment: Algorithms developed to predict the effect of missense changes on protein structure and function output the following: SIFT: "Tolerated"; PolyPhen-2: "Benign"; Align-GVGD: "Class C0". The aspartic acid amino acid residue is found in multiple mammalian species, suggesting that this missense change does not adversely affect protein function. These predictions have not been confirmed by published functional studies and their clinical significance is uncertain. This variant has not been reported in the literature in individuals with CARD14-related conditions. This variant is not present in population databases (ExAC no frequency). This sequence change replaces glycine with aspartic acid at codon 882 of the CARD14 protein (p.Gly882Asp). The glycine residue is moderately conserved and there is a moderate physicochemical difference between glycine and aspartic acid. In summary, the available evidence is currently insufficient to determine the role of this variant in disease. Therefore, it has been classified as a Variant of Uncertain Significance.

NM_001366385.1(CARD14):c.2645G>A (p.Gly882Asp)

Genes: SGSH (N-sulfoglucosamine sulfohydrolase; minus strand), CARD14 (caspase recruitment domain family member 14; plus strand), LOC126862662 (MED14-independent group 3 enhancer GRCh37_chr17:78178385-78179584; plus strand). Cytogenetic location: 17q25.3.
Variant type: single nucleotide variant.
Coding change: c.2645G>A on transcript NM_001366385.1 (MANE Select); coding-DNA position 2645, G replaced by A.
Protein change: p.Gly882Asp; replaces glycine 882 with aspartic acid.
Molecular consequence: missense variant. On other transcripts: non-coding transcript variant (1).
Genome position (GRCh38, 1-based): chr17:80,205,606, G>A. VCF-style: chr17-80205606-G-A. GRCh37 (hg19) VCF-style: chr17-78179405-G-A.
Other names: c.2645G>A, p.Gly882Asp (NM_024110.4); short protein forms G882D.
Identifiers: ClinVar variation 1039897 (VCV001039897.9), dbSNP rs964442846, ClinGen allele CA401356401.
Genomic context (GRCh38, chr17:80,205,606, plus strand): 5'-AGGAGTATGAGGCCTGGAGCCAGAGAGGGGACATCATCCAGGAGGGAGAGGTGTCCGGGG[G>A]CCGCTGCTGGGTGACCCGCCATGCTGTGGAGTCCCTCATGGAAAAGGTGAGGTCAAGGGC-3'
Protein context (NP_001353314.1, residues 872-892): DIIQEGEVSG[Gly882Asp]RCWVTRHAVE